The following is an entry in ClinVar:

NM_003072.5(SMARCA4):c.2909A>G (p.Lys970Arg)

Gene: SMARCA4 (SWI/SNF related BAF chromatin remodeling complex subunit ATPase 4; plus strand). Cytogenetic location: 19p13.2.
Variant type: single nucleotide variant.
Coding change: c.2909A>G on transcript NM_003072.5 (MANE Select); coding-DNA position 2909, A replaced by G.
Protein change: p.Lys970Arg; replaces lysine 970 with arginine.
Molecular consequence: missense variant. On other transcripts: non-coding transcript variant (1).
Genome position (GRCh38, 1-based): chr19:11,023,567, A>G. VCF-style: chr19-11023567-A-G. GRCh37 (hg19) VCF-style: chr19-11134243-A-G.
Other names: c.2909A>G, p.Lys970Arg (NM_001128844.3, NM_001128845.2, NM_001128846.2 and 6 more transcripts); short protein forms K970R.
Identifiers: ClinVar variation 3636872 (VCV003636872.2).

ClinVar aggregate classification (germline): Uncertain significance (1 of 4 stars; one submission).

Conditions:
Rhabdoid tumor predisposition syndrome 2 (RTPS2). Identifiers: Orphanet 231108, Orphanet 69077, MedGen C2750074, MONDO:0013224, OMIM 613325.

gnomAD v4.1: 1 of 1,613,694 alleles (0.000062%); highest among the groups gnomAD compares: Non-Finnish European, 0.000085%; no homozygotes.

Submission:

Labcorp Genetics (formerly Invitae), Labcorp
Classification: Uncertain significance for Rhabdoid tumor predisposition syndrome 2. Last evaluated: 2024-03-02. Review status: criteria provided, single submitter. Criteria: Invitae Variant Classification Sherloc (09022015). Collection method: clinical testing. Allele origin: germline.
Comment: This sequence change replaces lysine, which is basic and polar, with arginine, which is basic and polar, at codon 970 of the SMARCA4 protein (p.Lys970Arg). This variant is not present in population databases (gnomAD no frequency). This variant has not been reported in the literature in individuals affected with SMARCA4-related conditions. Advanced modeling of protein sequence and biophysical properties (such as structural, functional, and spatial information, amino acid conservation, physicochemical variation, residue mobility, and thermodynamic stability) performed at Invitae indicates that this missense variant is expected to disrupt SMARCA4 protein function with a positive predictive value of 95%. In summary, the available evidence is currently insufficient to determine the role of this variant in disease. Therefore, it has been classified as a Variant of Uncertain Significance.